The following is an entry in ClinVar:

NM_001267550.2(TTN):c.51524dup (p.Gly17176fs)

Genes: TTN-AS1 (TTN antisense RNA 1; plus strand), TTN (titin; minus strand). Cytogenetic location: 2q31.2.
Variant type: Duplication.
Coding change: c.51524dup on transcript NM_001267550.2 (MANE Select); coding-DNA position 51524, one base duplicated (G; older notation c.51524dupG).
Protein change: p.Gly17176fs; shifts the reading frame from glycine 17176.
Molecular consequence: frameshift variant.
Genome position (GRCh38, 1-based): chr2:178,609,899, C duplicated on the plus strand (G on the coding strand, the reverse complement: TTN is on the minus strand); the first of 2 consecutive C bases (chr2:178,609,899-178,609,900); duplicating either gives the same sequence. VCF-style (leftmost placement, unchanged base first): chr2-178609898-T-TC. GRCh37 (hg19) VCF-style: chr2-179474625-T-TC.
Other names: c.46601dup, p.Gly15535fs (NM_001256850.1); c.24329dup, p.Gly8111fs (NM_003319.4); c.43820dup, p.Gly14608fs (NM_133378.4); c.24704dup, p.Gly8236fs (NM_133432.3); c.24905dup, p.Gly8303fs (NM_133437.4); short protein forms G15535fs, G17176fs, G8111fs, G8236fs, G8303fs, G14608fs.
Identifiers: ClinVar variation 2950447 (VCV002950447.3), dbSNP rs2470411016, ClinGen allele CA2740096128.

ClinVar aggregate classification (germline): Likely pathogenic (1 of 4 stars; one submission).

Conditions:
Dilated cardiomyopathy 1G (CMD1G). Identifiers: Orphanet 154, MedGen C1858763, MONDO:0011400, OMIM 604145.
Autosomal recessive limb-girdle muscular dystrophy type 2J (LGMDR10). Also called: Limb-girdle muscular dystrophy, type 2J; MUSCULAR DYSTROPHY, LIMB-GIRDLE, AUTOSOMAL RECESSIVE 10. Identifiers: Orphanet 140922, MedGen C1837342, MONDO:0012127, OMIM 608807.

Submission:

Labcorp Genetics (formerly Invitae), Labcorp
Classification: Likely pathogenic for Dilated cardiomyopathy 1G; Autosomal recessive limb-girdle muscular dystrophy type 2J. Last evaluated: 2023-07-29. Review status: criteria provided, single submitter. Criteria: Invitae Variant Classification Sherloc (09022015). Collection method: clinical testing. Allele origin: germline.
Comment: In summary, the currently available evidence indicates that the variant is pathogenic, but additional data are needed to prove that conclusively. Therefore, this variant has been classified as Likely Pathogenic. This variant is located in the A band of TTN (PMID: 25589632). Truncating variants in this region are significantly overrepresented in patients affected with dilated cardiomyopathy (PMID: 25589632). Truncating variants in this region have also been reported in individuals affected with autosomal recessive centronuclear myopathy (PMID: 23975875). This variant has not been reported in the literature in individuals affected with TTN-related conditions. This variant is not present in population databases (gnomAD no frequency). This sequence change creates a premature translational stop signal (p.Gly17176Argfs*14) in the TTN gene. While this is not anticipated to result in nonsense mediated decay, it is expected to create a truncated TTN protein.

Literature cited by the submitters: PubMed 25589632; PubMed 23975875.